The following is an entry in ClinVar:

NM_012197.4(RABGAP1):c.1702C>A (p.Pro568Thr)

Gene: RABGAP1 (RAB GTPase activating protein 1; plus strand). Cytogenetic location: 9q33.2.
Variant type: single nucleotide variant.
Coding change: c.1702C>A on transcript NM_012197.4 (MANE Select); coding-DNA position 1702, C replaced by A.
Protein change: p.Pro568Thr; replaces proline 568 with threonine.
Molecular consequence: missense variant.
Genome position (GRCh38, 1-based): chr9:123,020,367, C>A. VCF-style: chr9-123020367-C-A. GRCh37 (hg19) VCF-style: chr9-125782646-C-A.
Other names: short protein forms P568T.
Identifiers: ClinVar variation 3364664 (VCV003364664.1).

ClinVar aggregate classification (germline): Uncertain significance (1 of 4 stars; one submission).

Submission:

GeneDx
Classification: Uncertain significance. Last evaluated: 2023-11-18. Review status: criteria provided, single submitter. Criteria: GeneDx Variant Classification Process June 2021. Collection method: clinical testing. Allele origin: germline. Affected: yes.
Comment: Not observed at significant frequency in large population cohorts (gnomAD); In silico analysis supports that this missense variant has a deleterious effect on protein structure/function; Has not been previously published as pathogenic or benign to our knowledge; Variants in candidate genes are classified as variants of uncertain significance in accordance with ACMG guidelines (PMID: 25741868)